The following is an entry in ClinVar:

NM_014264.5(PLK4):c.1310C>T (p.Thr437Ile)

Gene: PLK4 (polo like kinase 4; plus strand). Cytogenetic location: 4q28.1.
Variant type: single nucleotide variant.
Coding change: c.1310C>T on transcript NM_014264.5 (MANE Select); coding-DNA position 1310, C replaced by T.
Protein change: p.Thr437Ile; replaces threonine 437 with isoleucine.
Molecular consequence: missense variant.
Genome position (GRCh38, 1-based): chr4:127,886,680, C>T. VCF-style: chr4-127886680-C-T. GRCh37 (hg19) VCF-style: chr4-128807835-C-T.
Other names: c.1214C>T, p.Thr405Ile (NM_001190799.2); c.1187C>T, p.Thr396Ile (NM_001190801.2); short protein forms T396I, T405I, T437I.
Identifiers: ClinVar variation 1503775 (VCV001503775.8), dbSNP rs766069077, ClinGen allele CA358154261.

ClinVar aggregate classification (germline): Uncertain significance (1 of 4 stars; one submission).

gnomAD v4.1: 1 of 1,611,698 alleles (0.000062%); highest among the groups gnomAD compares: Non-Finnish European, 0.000085%; no homozygotes.

Submission:

Labcorp Genetics (formerly Invitae), Labcorp
Classification: Uncertain significance. Last evaluated: 2021-01-19. Review status: criteria provided, single submitter. Criteria: Invitae Variant Classification Sherloc (09022015). Collection method: clinical testing. Allele origin: germline.
Comment: In summary, the available evidence is currently insufficient to determine the role of this variant in disease. Therefore, it has been classified as a Variant of Uncertain Significance. Algorithms developed to predict the effect of missense changes on protein structure and function output the following: SIFT: "Tolerated"; PolyPhen-2: "Benign"; Align-GVGD: "Class C0". The isoleucine amino acid residue is found in multiple mammalian species, suggesting that this missense change does not adversely affect protein function. These predictions have not been confirmed by published functional studies and their clinical significance is uncertain. This variant has not been reported in the literature in individuals with PLK4-related conditions. This variant is not present in population databases (ExAC no frequency). This sequence change replaces threonine with isoleucine at codon 437 of the PLK4 protein (p.Thr437Ile). The threonine residue is weakly conserved and there is a moderate physicochemical difference between threonine and isoleucine.